The following is an entry in ClinVar:

NM_000718.4(CACNA1B):c.2642C>T (p.Ala881Val)

Gene: CACNA1B (calcium voltage-gated channel subunit alpha1 B; plus strand). Cytogenetic location: 9q34.3.
Variant type: single nucleotide variant.
Coding change: c.2642C>T on transcript NM_000718.4 (MANE Select); coding-DNA position 2642, C replaced by T.
Protein change: p.Ala881Val; replaces alanine 881 with valine.
Molecular consequence: missense variant.
Genome position (GRCh38, 1-based): chr9:138,023,385, C>T. VCF-style: chr9-138023385-C-T. GRCh37 (hg19) VCF-style: chr9-140917837-C-T.
Other names: c.2642C>T, p.Ala881Val (NM_001243812.2); short protein forms A881V.
Identifiers: ClinVar variation 1957125 (VCV001957125.5), dbSNP rs1368762355, ClinGen allele CA375809831.

ClinVar aggregate classification (germline): Uncertain significance (1 of 4 stars; one submission).

Allele frequency attached by ClinVar (database versions not stated): TOPMed below 0.00001; gnomAD 0.00001.
gnomAD v4.1: 2 of 1,375,080 alleles (0.00015%); highest among the groups gnomAD compares: African/African-American, 0.0015%; no homozygotes.

Submission:

Labcorp Genetics (formerly Invitae), Labcorp
Classification: Uncertain significance. Last evaluated: 2022-11-08. Review status: criteria provided, single submitter. Criteria: Invitae Variant Classification Sherloc (09022015). Collection method: clinical testing. Allele origin: germline.
Comment: In summary, the available evidence is currently insufficient to determine the role of this variant in disease. Therefore, it has been classified as a Variant of Uncertain Significance. Algorithms developed to predict the effect of missense changes on protein structure and function (SIFT, PolyPhen-2, Align-GVGD) all suggest that this variant is likely to be tolerated. This variant has not been reported in the literature in individuals affected with CACNA1B-related conditions. This variant is not present in population databases (gnomAD no frequency). This sequence change replaces alanine, which is neutral and non-polar, with valine, which is neutral and non-polar, at codon 881 of the CACNA1B protein (p.Ala881Val).